The following is an entry in ClinVar:

ClinVar aggregate classification (germline): Pathogenic (1 of 4 stars; one submission).

Conditions:
Cerebral cavernous malformation 2. Also called: Familial Cerebral Cavernous Malformation 2. Identifiers: Orphanet 221061, MedGen C1864041, MONDO:0011304, OMIM 603284.

Submission:

Labcorp Genetics (formerly Invitae), Labcorp
Classification: Pathogenic for Cerebral cavernous malformation 2. Last evaluated: 2021-04-01. Review status: criteria provided, single submitter. Criteria: Invitae Variant Classification Sherloc (09022015). Collection method: clinical testing. Allele origin: germline.
Comment: For these reasons, this variant has been classified as Pathogenic. Loss-of-function variants in CCM2 are known to be pathogenic (PMID: 18300272, 24689081). This variant has not been reported in the literature in individuals with CCM2-related conditions. This variant is not present in population databases (ExAC no frequency). This sequence change creates a premature translational stop signal (p.Pro77Thrfs*9) in the CCM2 gene. It is expected to result in an absent or disrupted protein product.

Literature cited by the submitters: PubMed 18300272; PubMed 24689081.

NM_031443.4(CCM2):c.228dup (p.Pro77fs)

Gene: CCM2 (CCM2 scaffold protein; plus strand). Cytogenetic location: 7p13.
Variant type: Duplication.
Coding change: c.228dup on transcript NM_031443.4 (MANE Select); coding-DNA position 228, one base duplicated (A; older notation c.228dupA).
Protein change: p.Pro77fs; shifts the reading frame from proline 77.
Molecular consequence: frameshift variant. On other transcripts: non-coding transcript variant (1).
Genome position (GRCh38, 1-based): chr7:45,063,941, A duplicated. VCF-style (leftmost placement, unchanged base first): chr7-45063940-T-TA. GRCh37 (hg19) VCF-style: chr7-45103539-T-TA.
Other names: c.291dup, p.Pro98fs (NM_001029835.2); c.54dup, p.Pro19fs (NM_001167934.2, NM_001363459.2); c.228dup, p.Pro77fs (NM_001167935.2, NM_001363458.2); short protein forms P19fs, P77fs, P98fs.
Identifiers: ClinVar variation 1070815 (VCV001070815.7), dbSNP rs2128747319, ClinGen allele CA2499218899.